The following is an entry in ClinVar:

ClinVar aggregate classification (germline): Uncertain significance (1 of 4 stars; one submission).

Conditions:
Bethlem myopathy 1A. Also called: Bethlem myopathy 1; MYOPATHY, BENIGN CONGENITAL, WITH CONTRACTURES; Bethlem Muscular Dystrophy. Identifiers: Orphanet 610, MedGen CN029274, MONDO:0024530, OMIM 158810.

Allele frequency attached by ClinVar (database versions not stated): gnomAD exomes below 0.00001; ExAC 0.00001.
gnomAD v4.1: 3 of 1,612,280 alleles (0.00019%); highest among the groups gnomAD compares: Non-Finnish European, 0.00025%; no homozygotes.

Submission:

Labcorp Genetics (formerly Invitae), Labcorp
Classification: Uncertain significance for Bethlem myopathy 1A. Last evaluated: 2023-10-04. Review status: criteria provided, single submitter. Criteria: Invitae Variant Classification Sherloc (09022015). Collection method: clinical testing. Allele origin: germline.
Comment: This sequence change replaces valine, which is neutral and non-polar, with methionine, which is neutral and non-polar, at codon 407 of the COL6A2 protein (p.Val407Met). This variant is present in population databases (rs772361435, gnomAD 0.002%). This variant has not been reported in the literature in individuals affected with COL6A2-related conditions. Advanced modeling of protein sequence and biophysical properties (such as structural, functional, and spatial information, amino acid conservation, physicochemical variation, residue mobility, and thermodynamic stability) performed at Invitae indicates that this missense variant is not expected to disrupt COL6A2 protein function. In summary, the available evidence is currently insufficient to determine the role of this variant in disease. Therefore, it has been classified as a Variant of Uncertain Significance.

NM_001849.4(COL6A2):c.1219G>A (p.Val407Met)

Gene: COL6A2 (collagen type VI alpha 2 chain; plus strand). Cytogenetic location: 21q22.3.
Variant type: single nucleotide variant.
Coding change: c.1219G>A on transcript NM_001849.4 (MANE Select); coding-DNA position 1219, G replaced by A.
Protein change: p.Val407Met; replaces valine 407 with methionine.
Molecular consequence: missense variant.
Genome position (GRCh38, 1-based): chr21:46,119,069, G>A. VCF-style: chr21-46119069-G-A. GRCh37 (hg19) VCF-style: chr21-47538983-G-A.
Other names: c.1219G>A, p.Val407Met (NM_058174.3, NM_058175.3); short protein forms V407M.
Identifiers: ClinVar variation 2886123 (VCV002886123.3), dbSNP rs772361435, ClinGen allele CA10071771.
Genomic context (GRCh38, chr21:46,119,069, plus strand): 5'-TGCTGTCCTCTCCTTCTTCAGGGGTATCAAGGCAACAGTGGAGCCCCAGGAAGTCCTGGT[G>A]TGAAAGGAGCCAAGGGCGGGCCTGGGCCCCGCGGACCCAAAGGCGAGCCGGTGAGTCCCT-3'
Protein context (NP_001840.3, residues 397-417): GNSGAPGSPG[Val407Met]KGAKGGPGPR